The following is an entry in ClinVar:

NM_000416.3(IFNGR1):c.489C>T (p.Pro163=)

Gene: IFNGR1 (interferon gamma receptor 1; minus strand). Cytogenetic location: 6q23.3.
Variant type: single nucleotide variant.
Coding change: c.489C>T on transcript NM_000416.3 (MANE Select); coding-DNA position 489, C replaced by T.
Protein change: p.Pro163=; no amino-acid change (proline 163 retained).
Molecular consequence: synonymous variant.
Genome position (GRCh38, 1-based): chr6:137,204,389, G>A on the plus strand (C>T on the coding strand, the complement: IFNGR1 is on the minus strand). VCF-style: chr6-137204389-G-A. GRCh37 (hg19) VCF-style: chr6-137525526-G-A.
Other names: c.459C>T, p.Pro153= (NM_001363526.1); c.366C>T, p.Pro122= (NM_001363527.1).
Identifiers: ClinVar variation 36375 (VCV000036375.48), dbSNP rs41288981, ClinGen allele CA214022.

ClinVar aggregate classification (germline): Benign/Likely benign. Review status: criteria provided, multiple submitters, no conflicts (2 of 4 stars). 5 submissions from 5 submitters: Benign (1); Likely benign (4). Last evaluated 2026-07-01.

Conditions:
Disseminated atypical mycobacterial infection. Identifiers: MedGen C0694566.
Interferon gamma receptor deficiency (IFNGRD). Identifiers: MedGen C1112429.
Immunodeficiency 27A (IMD27A). Also called: IMMUNODEFICIENCY 27A, MYCOBACTERIOSIS, AUTOSOMAL RECESSIVE; IFNGR1 DEFICIENCY, AUTOSOMAL RECESSIVE. Identifiers: Orphanet 319569, Orphanet 99898, MedGen C4011949, MONDO:0008856, OMIM 209950.

Allele frequency attached by ClinVar (database versions not stated): 1000 Genomes Project 30x 0.00312; 1000 Genomes Project 0.00319; TOPMed 0.00482; ExAC 0.00638; gnomAD 0.00648 and 0.00668; ESP Exome Variant Server 0.00692.
gnomAD v4.1: 13,202 of 1,613,648 alleles (0.82%); highest among the groups gnomAD compares: Non-Finnish European, 0.95%; 78 homozygotes.

Submissions (5):

CeGaT Center for Human Genetics Tuebingen
Classification: Likely benign. Last evaluated: 2026-07-01. Review status: criteria provided, single submitter. Criteria: CeGaT Center For Human Genetics Tuebingen Variant Classification Criteria Version 2. Collection method: clinical testing. Allele origin: germline. Affected: yes. Observed: 10 variant alleles.
Comment: IFNGR1: BP4, BP7, BS2

Labcorp Genetics (formerly Invitae), Labcorp
Classification: Benign for Disseminated atypical mycobacterial infection. Last evaluated: 2026-02-04. Review status: criteria provided, single submitter. Criteria: Invitae Variant Classification Sherloc (09022015). Collection method: clinical testing. Allele origin: germline.

Illumina Laboratory Services, Illumina
Classification: Likely benign for Immunodeficiency 27A. Last evaluated: 2018-01-13. Review status: criteria provided, single submitter. Criteria: ICSL Variant Classification Criteria 13 December 2019. Collection method: clinical testing. Allele origin: germline.
Comment: This variant was observed in the ICSL laboratory as part of a predisposition screen in an ostensibly healthy population. It had not been previously curated by ICSL or reported in the Human Gene Mutation Database (HGMD: prior to June 1st, 2018), and was therefore a candidate for classification through an automated scoring system. Utilizing variant allele frequency, disease prevalence and penetrance estimates, and inheritance mode, an automated score was calculated to assess if this variant is too frequent to cause the disease. Based on the score and internal cut-off values, a variant classified as likely benign is not then subjected to further curation. The score for this variant resulted in a classification of likely benign for this disease.

Women's Health and Genetics/Laboratory Corporation of America, LabCorp
Classification: Likely benign for Interferon Gamma Receptor Deficiency. Last evaluated: 2011-08-18. Review status: criteria provided, single submitter. Criteria: LabCorp Variant Classification Summary - May 2015. Collection method: curation, clinical testing. Allele origin: germline. Inheritance: autosomal unknown. Affected: yes.
ClinVar note: Converted during submission from likely benign to Likely benign.

Breakthrough Genomics
Classification: Likely benign. Review status: criteria provided, single submitter. Criteria: ACMG Guidelines, 2015. Collection method: not provided. Allele origin: germline. Inheritance: Autosomal recessive inheritance. Affected: yes.